The following is an entry in ClinVar:

ClinVar aggregate classification (germline): Uncertain significance (1 of 4 stars; one submission).

Submission:

GeneDx
Classification: Uncertain significance. Last evaluated: 2025-03-31. Review status: criteria provided, single submitter. Criteria: GeneDx Variant Classification Process June 2021. Collection method: clinical testing. Allele origin: germline. Affected: yes.
Comment: In silico analysis supports that this missense variant has a deleterious effect on protein structure/function; Has not been previously published as pathogenic or benign to our knowledge

NM_004970.3(IGFALS):c.272C>T (p.Pro91Leu)

Gene: IGFALS (insulin like growth factor binding protein acid labile subunit; minus strand). Cytogenetic location: 16p13.3.
Variant type: single nucleotide variant.
Coding change: c.272C>T on transcript NM_004970.3 (MANE Select); coding-DNA position 272, C replaced by T.
Protein change: p.Pro91Leu; replaces proline 91 with leucine.
Molecular consequence: missense variant. On other transcripts: non-coding transcript variant (1).
Genome position (GRCh38, 1-based): chr16:1,792,146, G>A on the plus strand (C>T on the coding strand, the complement: IGFALS is on the minus strand). VCF-style: chr16-1792146-G-A. GRCh37 (hg19) VCF-style: chr16-1842147-G-A.
Other names: c.386C>T, p.Pro129Leu (NM_001146006.2); short protein forms P129L, P91L.
Identifiers: ClinVar variation 4278797 (VCV004278797.1).